The following is an entry in ClinVar:

ClinVar aggregate classification (germline): Pathogenic/Likely pathogenic. Review status: criteria provided, multiple submitters, no conflicts (2 of 4 stars). 2 submissions from 2 submitters: Pathogenic (1); Likely pathogenic (1). Last evaluated 2022-05-10.

Submissions (2):

Revvity Omics, Revvity
Classification: Likely pathogenic. Last evaluated: 2022-05-10. Review status: criteria provided, single submitter. Criteria: ACMG Guidelines, 2015. Collection method: clinical testing. Allele origin: germline.

GeneDx
Classification: Pathogenic. Last evaluated: 2018-01-15. Review status: criteria provided, single submitter. Criteria: GeneDx Variant Classification Process June 2021. Collection method: clinical testing. Allele origin: germline. Affected: yes.
Comment: Based on the understanding of this genetic alteration, it may be amenable to nonsense read-through therapy that is currently available or in clinical trial

NM_004006.3(DMD):c.10588C>T (p.Gln3530Ter)

Gene: DMD (dystrophin; minus strand). Cytogenetic location: Xp21.2.
Variant type: single nucleotide variant.
Coding change: c.10588C>T on transcript NM_004006.3 (MANE Select); coding-DNA position 10588, C replaced by T.
Protein change: p.Gln3530Ter; replaces glutamine 3530 with a stop codon.
Molecular consequence: nonsense.
Genome position (GRCh38, 1-based): chrX:31,147,484, G>A on the plus strand (C>T on the coding strand, the complement: DMD is on the minus strand). VCF-style: chrX-31147484-G-A. GRCh37 (hg19) VCF-style: chrX-31165601-G-A.
Other names: c.10564C>T, p.Gln3522Ter (NM_000109.4); c.10576C>T, p.Gln3526Ter (NM_004009.3); c.10219C>T, p.Gln3407Ter (NM_004010.3); c.6565C>T, p.Gln2189Ter (NM_004011.4); c.6556C>T, p.Gln2186Ter (NM_004012.4); c.3208C>T, p.Gln1070Ter (NM_004013.3, NM_004021.3); c.2401C>T, p.Gln801Ter (NM_004014.3); c.1384C>T, p.Gln462Ter (NM_004015.3, NM_004016.3); and 3 more; short protein forms Q1057*, Q1070*, Q2186*, Q2189*, Q3407*, Q3522*, Q3526*, Q3530*.
Identifiers: ClinVar variation 1196103 (VCV001196103.5), dbSNP rs2147935982, ClinGen allele CA412649606.
Genomic context (GRCh38, chrX:31,147,484, plus strand): 5'-GAGAGGTGGGCATCATTTCAGGAGGGGACGGCAGTGGGGACAGGCCTTTATGTTCGTGCT[G>A]CTGCTTTAGACGGTCATATTCTGCTTGCAGATTCCTATTGGCATCAAAAAAGTAAAAAAG-3'